The following is an entry in ClinVar:

ClinVar aggregate classification (germline): Uncertain significance (1 of 4 stars; one submission).

Submission:

Labcorp Genetics (formerly Invitae), Labcorp
Classification: Uncertain significance. Last evaluated: 2021-12-09. Review status: criteria provided, single submitter. Criteria: Invitae Variant Classification Sherloc (09022015). Collection method: clinical testing. Allele origin: germline.
Comment: In summary, the available evidence is currently insufficient to determine the role of this variant in disease. Therefore, it has been classified as a Variant of Uncertain Significance. Algorithms developed to predict the effect of missense changes on protein structure and function are either unavailable or do not agree on the potential impact of this missense change (SIFT: "Tolerated"; PolyPhen-2: "Not Available"; Align-GVGD: "Class C0"). This variant has not been reported in the literature in individuals affected with CLCC1-related conditions. This variant is not present in population databases (gnomAD no frequency). This sequence change replaces leucine, which is neutral and non-polar, with methionine, which is neutral and non-polar, at codon 2 of the CLCC1 protein (p.Leu2Met).

NM_001377458.1(CLCC1):c.4C>A (p.Leu2Met)

Gene: CLCC1 (chloride channel CLIC like 1; minus strand). Cytogenetic location: 1p13.3.
Variant type: single nucleotide variant.
Coding change: c.4C>A on transcript NM_001377458.1 (MANE Select); coding-DNA position 4, C replaced by A.
Protein change: p.Leu2Met; replaces leucine 2 with methionine.
Molecular consequence: missense variant. On other transcripts: 5 prime UTR variant (1), non-coding transcript variant (1).
Genome position (GRCh38, 1-based): chr1:108,950,434, G>T on the plus strand (C>A on the coding strand, the complement: CLCC1 is on the minus strand). VCF-style: chr1-108950434-G-T. GRCh37 (hg19) VCF-style: chr1-109493056-G-T.
Other names: c.4C>A, p.Leu2Met (NM_001048210.3, NM_001278202.2, NM_001278203.1 and 12 more transcripts); c.-459C>A (NM_001377470.1); short protein forms L2M.
Identifiers: ClinVar variation 1352995 (VCV001352995.6), dbSNP rs1312412463, ClinGen allele CA341467059.